The following is an entry in ClinVar:

NM_058216.3(RAD51C):c.20G>C (p.Arg7Pro)

Gene: RAD51C (RAD51 paralog C; plus strand). Cytogenetic location: 17q22.
Variant type: single nucleotide variant.
Coding change: c.20G>C on transcript NM_058216.3 (MANE Select); coding-DNA position 20, G replaced by C.
Protein change: p.Arg7Pro; replaces arginine 7 with proline.
Molecular consequence: missense variant. On other transcripts: non-coding transcript variant (2).
Genome position (GRCh38, 1-based): chr17:58,692,663, G>C. VCF-style: chr17-58692663-G-C. GRCh37 (hg19) VCF-style: chr17-56770024-G-C.
Other names: c.20G>C, p.Arg7Pro (NM_002876.4); short protein forms R7P.
Identifiers: ClinVar variation 820716 (VCV000820716.13), dbSNP rs892567748, ClinGen allele CA400336247.
Genomic context (GRCh38, chr17:58,692,663, plus strand): 5'-TGCGGAGTTTGGCTGCTCCGGGGTTAGCAGGTGAGCCTGCGATGCGCGGGAAGACGTTCC[G>C]CTTTGAAATGCAGCGGGATTTGGTGAGTTTCCCGCTGTCTCCAGCGGTGCGGGTGAAGCT-3'
Protein context (NP_478123.1, residues 1-17): MRGKTF[Arg7Pro]FEMQRDLVSF

ClinVar aggregate classification (germline): Conflicting classifications of pathogenicity. Review status: criteria provided, conflicting classifications (1 of 4 stars). 3 submissions from 3 submitters: Uncertain significance (2); Benign (1). Last evaluated 2025-10-17.

Conditions:
Hereditary cancer-predisposing syndrome. Also called: Hereditary Cancer Syndrome; Neoplastic Syndromes, Hereditary; Hereditary neoplastic syndrome; Tumor predisposition. Identifiers: Orphanet 140162, MedGen C0027672, MeSH D009386, MONDO:0015356.
Hereditary breast ovarian cancer syndrome. Also called: Hereditary breast and ovarian cancer syndrome (HBOC); Hereditary breast and ovarian cancer syndrome; Breast and ovarian cancer; Hereditary breast and/or ovarian cancer syndrome; BRCA1- and BRCA2-Associated Hereditary Breast and Ovarian Cancer; Hereditary breast and ovarian cancer. Identifiers: Orphanet 145, MedGen C0677776, MeSH D061325, MONDO:0003582. Disease mechanism: loss of function.
Fanconi anemia complementation group O. Also called: RAD51C-Related Fanconi Anemia. Identifiers: Orphanet 84, MedGen C3150653, MONDO:0013248, OMIM 613390.

Submissions (3):

Ambry Genetics
Classification: Benign for Hereditary cancer-predisposing syndrome. Last evaluated: 2025-10-17. Review status: criteria provided, single submitter. Criteria: Ambry Variant Classification Scheme 2023. Collection method: clinical testing. Allele origin: germline.

Labcorp Genetics (formerly Invitae), Labcorp
Classification: Uncertain significance for Fanconi anemia complementation group O. Last evaluated: 2021-10-10. Review status: criteria provided, single submitter. Criteria: Invitae Variant Classification Sherloc (09022015). Collection method: clinical testing. Allele origin: germline.
Comment: This sequence change replaces arginine with proline at codon 7 of the RAD51C protein (p.Arg7Pro). The arginine residue is weakly conserved and there is a moderate physicochemical difference between arginine and proline. This variant is not present in population databases (ExAC no frequency). This variant has not been reported in the literature in individuals affected with RAD51C-related conditions. ClinVar contains an entry for this variant (Variation ID: 820716). Algorithms developed to predict the effect of missense changes on protein structure and function (SIFT, PolyPhen-2, Align-GVGD) all suggest that this variant is likely to be tolerated. In summary, the available evidence is currently insufficient to determine the role of this variant in disease. Therefore, it has been classified as a Variant of Uncertain Significance.

Cancer Genomics Group, Japanese Foundation For Cancer Research
Classification: Uncertain significance for Hereditary breast and ovarian cancer syndrome. Last evaluated: 2019-05-01. Review status: criteria provided, single submitter. Criteria: ACMG Guidelines, 2015. Collection method: research. Allele origin: germline. Affected: yes.